The following is an entry in ClinVar:

NM_000494.4(COL17A1):c.3500del (p.Leu1167fs)

Gene: COL17A1 (collagen type XVII alpha 1 chain; minus strand). Cytogenetic location: 10q25.1.
Variant type: Deletion.
Coding change: c.3500del on transcript NM_000494.4 (MANE Select); coding-DNA position 3500, one base deleted (T; older notation c.3500delT).
Protein change: p.Leu1167fs; shifts the reading frame from leucine 1167.
Molecular consequence: frameshift variant.
Genome position (GRCh38, 1-based): chr10:104,035,482, A deleted on the plus strand (T on the coding strand, the reverse complement: COL17A1 is on the minus strand); the first of 2 consecutive A bases (chr10:104,035,482-104,035,483); deleting either gives the same sequence. VCF-style (leftmost placement, unchanged base first): chr10-104035481-CA-C. GRCh37 (hg19) VCF-style: chr10-105795239-CA-C.
Other names: short protein forms L1167fs.
Identifiers: ClinVar variation 2725301 (VCV002725301.3), dbSNP rs2493278296, ClinGen allele CA2697558754.
Genomic context (GRCh38, chr10:104,035,481, plus strand): 5'-GGACTCTGCTTCCTCCCCAACCAGTTGGACAGATGTCCCCTGCTGGGCCTTACCTCGCAG[CA>C]AGGAGAGGAGCTCCTCATAGGAGGTTCCCGGCAAGCCAGGGGGCCCCGGGGGACCAGGAA-3'

ClinVar aggregate classification (germline): Pathogenic (1 of 4 stars; one submission).

Submission:

Labcorp Genetics (formerly Invitae), Labcorp
Classification: Pathogenic. Last evaluated: 2023-06-23. Review status: criteria provided, single submitter. Criteria: Invitae Variant Classification Sherloc (09022015). Collection method: clinical testing. Allele origin: germline.
Comment: This sequence change creates a premature translational stop signal (p.Leu1167Cysfs*84) in the COL17A1 gene. It is expected to result in an absent or disrupted protein product. Loss-of-function variants in COL17A1 are known to be pathogenic (PMID: 16473856, 17344927, 20301304, 21357940, 24319098). This variant is not present in population databases (gnomAD no frequency). This variant has not been reported in the literature in individuals affected with COL17A1-related conditions. For these reasons, this variant has been classified as Pathogenic.

Literature cited by the submitters: PubMed 16473856; PubMed 17344927; PubMed 20301304; PubMed 21357940; PubMed 24319098.